The following is an entry in ClinVar:

NM_000382.3(ALDH3A2):c.550A>G (p.Thr184Ala)

Gene: ALDH3A2 (aldehyde dehydrogenase 3 family member A2; plus strand). Cytogenetic location: 17p11.2.
Variant type: single nucleotide variant.
Coding change: c.550A>G on transcript NM_000382.3 (MANE Select); coding-DNA position 550, A replaced by G.
Protein change: p.Thr184Ala; replaces threonine 184 with alanine.
Molecular consequence: missense variant. On other transcripts: 5 prime UTR variant (1).
Genome position (GRCh38, 1-based): chr17:19,656,444, A>G. VCF-style: chr17-19656444-A-G. GRCh37 (hg19) VCF-style: chr17-19559757-A-G.
Other names: c.550A>G, p.Thr184Ala (NM_001031806.2, NM_001369136.1, NM_001369137.2 and 3 more transcripts); c.-30A>G (NM_001369148.2); short protein forms T184A.
Identifiers: ClinVar variation 1496161 (VCV001496161.9), dbSNP rs2152328249, ClinGen allele CA398706402.

ClinVar aggregate classification (germline): Conflicting classifications of pathogenicity. Review status: criteria provided, conflicting classifications (1 of 4 stars). 2 submissions from 2 submitters: Likely pathogenic (1); Uncertain significance (1). Last evaluated 2026-04-10.

Conditions:
Sjögren-Larsson syndrome (SLS). Also called: FALDH DEFICIENCY; FATTY ALCOHOL:NAD+ OXIDOREDUCTASE DEFICIENCY; FATTY ALDEHYDE DEHYDROGENASE DEFICIENCY; ICHTHYOSIS, SPASTIC NEUROLOGIC DISORDER, AND OLIGOPHRENIA. Identifiers: Orphanet 816, MedGen C0037231, MONDO:0010031, OMIM 270200.

gnomAD v4.1: 1 of 1,614,190 alleles (0.000062%); highest among the groups gnomAD compares: Non-Finnish European, 0.000085%; no homozygotes.

Submissions (2):

Myriad Genetics, Inc.
Classification: Uncertain significance for Sjögren-Larsson syndrome. Last evaluated: 2026-04-10. Review status: criteria provided, single submitter. Criteria: Myriad Autosomal Dominant, Autosomal Recessive and X-Linked Classification Criteria (2023). Collection method: clinical testing. Allele origin: unknown.
Comment: NM_000382.2(ALDH3A2):c.550A>G(T184A) is a missense variant classified as a variant of uncertain significance in the context of Sjogren-Larsson syndrome. T184A has not been observed in cases with relevant disease. Relevant functional assessments of this variant are not available in the literature. T184A has not been observed in referenced population frequency databases. In summary, there is insufficient evidence to classify NM_000382.2(ALDH3A2):c.550A>G(T184A) as pathogenic or benign. Please note: this variant was assessed in the context of healthy population screening.

Labcorp Genetics (formerly Invitae), Labcorp
Classification: Likely pathogenic. Last evaluated: 2021-02-10. Review status: criteria provided, single submitter. Criteria: Invitae Variant Classification Sherloc (09022015). Collection method: clinical testing. Allele origin: germline.
Comment: In summary, the currently available evidence indicates that the variant is pathogenic, but additional data are needed to prove that conclusively. Therefore, this variant has been classified as Likely Pathogenic. This variant disrupts the p.Thr184 amino acid residue in ALDH3A2. Other variant(s) that disrupt this residue have been determined to be pathogenic (PMID: 10577908, 17998529, 19124283, 11408337). This suggests that this residue is clinically significant, and that variants that disrupt this residue are likely to be disease-causing. Advanced modeling of protein sequence and biophysical properties (such as structural, functional, and spatial information, amino acid conservation, physicochemical variation, residue mobility, and thermodynamic stability) performed at Invitae indicates that this missense variant is expected to disrupt ALDH3A2 protein function. This variant has not been reported in the literature in individuals with ALDH3A2-related conditions. This variant is not present in population databases (ExAC no frequency). This sequence change replaces threonine with alanine at codon 184 of the ALDH3A2 protein (p.Thr184Ala). The threonine residue is highly conserved and there is a small physicochemical difference between threonine and alanine.

Literature cited by the submitters: PubMed 10577908 (cited by Labcorp Genetics (formerly Invitae), Labcorp); PubMed 17998529 (cited by Labcorp Genetics (formerly Invitae), Labcorp); PubMed 19124283 (cited by Labcorp Genetics (formerly Invitae), Labcorp); PubMed 11408337 (cited by Labcorp Genetics (formerly Invitae), Labcorp).